The following is an entry in ClinVar:

ClinVar aggregate classification (germline): Uncertain significance. Review status: criteria provided, single submitter (1 of 4 stars). 2 submissions from 2 submitters: Uncertain significance (1). 1 of the submissions does not count toward it. Last evaluated 2022-02-07.

Conditions:
Familial thoracic aortic aneurysm and aortic dissection (TAAD). Also called: Thoracic aortic aneurysms and dissections. Identifiers: Orphanet 91387, MedGen C4707243, MONDO:0019625.
Marfan syndrome (MFS). Also called: Marfan syndrome type 1; Marfan syndrome, classic; Marfan's syndrome; FBN1-Related Marfan Syndrome; MARFAN SYNDROME, TYPE I. Identifiers: Orphanet 284963, Orphanet 558, MedGen C0024796, MONDO:0007947, OMIM 154700.

Submissions (2):

Labcorp Genetics (formerly Invitae), Labcorp
Classification: Uncertain significance for Marfan syndrome; Familial thoracic aortic aneurysm and aortic dissection. Last evaluated: 2022-02-07. Review status: criteria provided, single submitter. Criteria: Invitae Variant Classification Sherloc (09022015). Collection method: clinical testing. Allele origin: germline.
Comment: This variant disrupts the p.Ile2185 amino acid residue in FBN1. Other variant(s) that disrupt this residue have been determined to be pathogenic (PMID: 17657824, 21542060, 24161884, 31211626; Invitae). This suggests that this residue is clinically significant, and that variants that disrupt this residue are likely to be disease-causing. Algorithms developed to predict the effect of missense changes on protein structure and function are either unavailable or do not agree on the potential impact of this missense change (SIFT: "Deleterious"; PolyPhen-2: "Possibly Damaging"; Align-GVGD: "Class C0"). ClinVar contains an entry for this variant (Variation ID: 549350). This missense change has been observed in individual(s) with FBN1-related conditions (Invitae). This variant is not present in population databases (gnomAD no frequency). This sequence change replaces isoleucine, which is neutral and non-polar, with serine, which is neutral and polar, at codon 2185 of the FBN1 protein (p.Ile2185Ser). In summary, the available evidence is currently insufficient to determine the role of this variant in disease. Therefore, it has been classified as a Variant of Uncertain Significance.

Center for Medical Genetics Ghent, University of Ghent
Classification: Uncertain significance for Marfan syndrome. Last evaluated: 2017-11-07. Review status: no assertion criteria provided. Collection method: clinical testing. Allele origin: de novo. Affected: yes. Not counted in ClinVar's aggregate classification.

Literature cited by the submitters: PubMed 17657824 (cited by Labcorp Genetics (formerly Invitae), Labcorp); PubMed 21542060 (cited by Labcorp Genetics (formerly Invitae), Labcorp); PubMed 24161884 (cited by Labcorp Genetics (formerly Invitae), Labcorp); PubMed 31211626 (cited by Labcorp Genetics (formerly Invitae), Labcorp).

NM_000138.5(FBN1):c.6554T>G (p.Ile2185Ser)

Gene: FBN1 (fibrillin 1; minus strand). Cytogenetic location: 15q21.1.
Variant type: single nucleotide variant.
Coding change: c.6554T>G on transcript NM_000138.5 (MANE Select); coding-DNA position 6554, T replaced by G.
Protein change: p.Ile2185Ser; replaces isoleucine 2185 with serine.
Molecular consequence: missense variant.
Genome position (GRCh38, 1-based): chr15:48,434,656, A>C on the plus strand (T>G on the coding strand, the complement: FBN1 is on the minus strand). VCF-style: chr15-48434656-A-C. GRCh37 (hg19) VCF-style: chr15-48726853-A-C.
Other names: short protein forms I2185S.
Identifiers: ClinVar variation 549350 (VCV000549350.5), dbSNP rs910656654, ClinGen allele CA392334979.